The following is an entry in ClinVar:

NM_003793.4(CTSF):c.301A>G (p.Lys101Glu)

Gene: CTSF (cathepsin F; minus strand). Cytogenetic location: 11q13.2.
Variant type: single nucleotide variant.
Coding change: c.301A>G on transcript NM_003793.4 (MANE Select); coding-DNA position 301, A replaced by G.
Protein change: p.Lys101Glu; replaces lysine 101 with glutamic acid.
Molecular consequence: missense variant.
Genome position (GRCh38, 1-based): chr11:66,567,995, T>C on the plus strand (A>G on the coding strand, the complement: CTSF is on the minus strand). VCF-style: chr11-66567995-T-C. GRCh37 (hg19) VCF-style: chr11-66335466-T-C.
Other names: short protein forms K101E.
Identifiers: ClinVar variation 3767686 (VCV003767686.2).

ClinVar aggregate classification (germline): Uncertain significance. Review status: criteria provided, multiple submitters, no conflicts (2 of 4 stars). 2 submissions from 2 submitters: Uncertain significance (2). Last evaluated 2025-06-12.

Conditions:
Inborn genetic diseases. Identifiers: MedGen C0950123, MeSH D030342.

gnomAD v4.1: 34 of 1,592,382 alleles (0.0021%); highest among the groups gnomAD compares: Non-Finnish European, 0.0029%; no homozygotes.

Submissions (2):

Ambry Genetics
Classification: Uncertain significance for Inborn genetic diseases. Last evaluated: 2025-06-12. Review status: criteria provided, single submitter. Criteria: Ambry Variant Classification Scheme 2023. Collection method: clinical testing. Allele origin: germline.

GeneDx
Classification: Uncertain significance. Last evaluated: 2024-09-04. Review status: criteria provided, single submitter. Criteria: GeneDx Variant Classification Process June 2021. Collection method: clinical testing. Allele origin: germline. Affected: yes.
Comment: Not observed at significant frequency in large population cohorts (gnomAD); In silico analysis indicates that this missense variant does not alter protein structure/function; Has not been previously published as pathogenic or benign to our knowledge